The following is an entry in ClinVar:

ClinVar aggregate classification (germline): Conflicting classifications of pathogenicity. Review status: criteria provided, conflicting classifications (1 of 4 stars). 2 submissions from 2 submitters: Uncertain significance (1); Likely benign (1). Last evaluated 2025-01-16.

Conditions:
Acute myeloid leukemia (AML). Also called: Acute myeloid leukemia, adult; AML adult; Acute non-lymphocytic leukemia; Acute granulocytic leukemia; Leukemia, acute myeloid, somatic; Leukemia, acute myelogenous, somatic. Identifiers: Orphanet 519, MedGen C0023467, MeSH D015470, MONDO:0018874, OMIM 601626, HP:0004808. Disease mechanism: Constitutively activated FLT3.
Inborn genetic diseases. Identifiers: MedGen C0950123, MeSH D030342.

Submissions (2):

Ambry Genetics
Classification: Likely benign for Inborn genetic diseases. Last evaluated: 2025-01-16. Review status: criteria provided, single submitter. Criteria: Ambry Variant Classification Scheme 2023. Collection method: clinical testing. Allele origin: germline.

Labcorp Genetics (formerly Invitae), Labcorp
Classification: Uncertain significance for Acute myeloid leukemia. Last evaluated: 2023-03-31. Review status: criteria provided, single submitter. Criteria: Invitae Variant Classification Sherloc (09022015). Collection method: clinical testing. Allele origin: germline.
Comment: This sequence change replaces glutamine, which is neutral and polar, with histidine, which is basic and polar, at codon 41 of the CEBPA protein (p.Gln41His). In summary, the available evidence is currently insufficient to determine the role of this variant in disease. Therefore, it has been classified as a Variant of Uncertain Significance. Advanced modeling of protein sequence and biophysical properties (such as structural, functional, and spatial information, amino acid conservation, physicochemical variation, residue mobility, and thermodynamic stability) performed at Invitae indicates that this missense variant is not expected to disrupt CEBPA protein function. ClinVar contains an entry for this variant (Variation ID: 2162058). This variant has not been reported in the literature in individuals affected with CEBPA-related conditions. This variant is not present in population databases (gnomAD no frequency).

NM_004364.5(CEBPA):c.123G>C (p.Gln41His)

Gene: CEBPA (CCAAT enhancer binding protein alpha; minus strand). Cytogenetic location: 19q13.11.
Variant type: single nucleotide variant.
Coding change: c.123G>C on transcript NM_004364.5 (MANE Select); coding-DNA position 123, G replaced by C.
Protein change: p.Gln41His; replaces glutamine 41 with histidine.
Molecular consequence: missense variant. On other transcripts: 5 prime UTR variant (1).
Genome position (GRCh38, 1-based): chr19:33,302,292, C>G on the plus strand (G>C on the coding strand, the complement: CEBPA is on the minus strand). VCF-style: chr19-33302292-C-G. GRCh37 (hg19) VCF-style: chr19-33793198-C-G.
Other names: c.-235G>C (NM_001285829.2); c.228G>C, p.Gln76His (NM_001287424.2); c.81G>C, p.Gln27His (NM_001287435.2); short protein forms Q27H, Q41H, Q76H.
Identifiers: ClinVar variation 2162058 (VCV002162058.5), dbSNP rs2145264351, ClinGen allele CA405275629.